The following is an entry in ClinVar:

NM_005476.7(GNE):c.985G>T (p.Glu329Ter)

Gene: GNE (glucosamine (UDP-N-acetyl)-2-epimerase/N-acetylmannosamine kinase; minus strand). Cytogenetic location: 9p13.3.
Variant type: single nucleotide variant.
Coding change: c.985G>T on transcript NM_005476.7 (MANE Select); coding-DNA position 985, G replaced by T.
Protein change: p.Glu329Ter; replaces glutamic acid 329 with a stop codon.
Molecular consequence: nonsense.
Genome position (GRCh38, 1-based): chr9:36,229,106, C>A on the plus strand (G>T on the coding strand, the complement: GNE is on the minus strand). VCF-style: chr9-36229106-C-A. GRCh37 (hg19) VCF-style: chr9-36229103-C-A.
Other names: c.1078G>T, p.Glu360Ter (NM_001128227.3); c.985G>T, p.Glu329Ter (NM_001190383.3); c.655G>T, p.Glu219Ter (NM_001190384.3); c.808G>T, p.Glu270Ter (NM_001190388.2, NM_001374798.1); c.832G>T, p.Glu278Ter (NM_001374797.1); short protein forms E219*, E270*, E278*, E329*, E360*.
Identifiers: ClinVar variation 3754324 (VCV003754324.2).
Genomic context (GRCh38, chr9:36,229,106, plus strand): 5'-GGTGCAGTGCTTGCAATATTTTGTCTTGGGTGTCAGCATCCCGGACATGAAGAACATTCT[C>A]CCCTAGGTAAAACCAGTGACACATTACAAGGATTTGGAAGTGGGAATATCCAAAGAATAA-3'

ClinVar aggregate classification (germline): Pathogenic (1 of 4 stars; one submission).

Conditions:
Sialuria. Also called: SIALURIA, FRENCH TYPE; Sialic Acid Storage Disease. Identifiers: Orphanet 3166, MedGen C0342853, MONDO:0010028, OMIM 269921.
GNE myopathy (NM). Also called: NONAKA DISTAL MYOPATHY; INCLUSION BODY MYOPATHY, HEREDITARY, AUTOSOMAL RECESSIVE; INCLUSION BODY MYOPATHY 2, AUTOSOMAL RECESSIVE; MYOPATHY, DISTAL, WITH OR WITHOUT RIMMED VACUOLES; IBM 2; Inclusion body myopathy autosomal recessive. Identifiers: Orphanet 602, MedGen C1853926, MONDO:0011603, OMIM 605820.

Submission:

Labcorp Genetics (formerly Invitae), Labcorp
Classification: Pathogenic for Sialuria; GNE myopathy. Last evaluated: 2024-02-01. Review status: criteria provided, single submitter. Criteria: Invitae Variant Classification Sherloc (09022015). Collection method: clinical testing. Allele origin: germline.
Comment: This sequence change creates a premature translational stop signal (p.Glu360*) in the GNE gene. It is expected to result in an absent or disrupted protein product. Loss-of-function variants in GNE are known to be pathogenic (PMID: 24027297). This variant is not present in population databases (gnomAD no frequency). This premature translational stop signal has been observed in individual(s) with autosomal recessive GNE-related conditions (PMID: 35138478). Algorithms developed to predict the effect of sequence changes on RNA splicing suggest that this variant may create or strengthen a splice site. For these reasons, this variant has been classified as Pathogenic.

Literature cited by the submitters: PubMed 24027297; PubMed 35138478.